The following is an entry in ClinVar:

ClinVar aggregate classification (germline): Uncertain significance. Review status: criteria provided, multiple submitters, no conflicts (2 of 4 stars). 2 submissions from 2 submitters: Uncertain significance (2). Last evaluated 2026-09-11.

Conditions:
Epilepsy, familial focal, with variable foci 3 (FFEVF3). Identifiers: MedGen C4310708, MONDO:0014925, OMIM 617118.

Allele frequency attached by ClinVar (database versions not stated): gnomAD exomes below 0.00001; TOPMed below 0.00001.
gnomAD v4.1: 3 of 1,585,774 alleles (0.00019%); highest among the groups gnomAD compares: Non-Finnish European, 0.00026%; no homozygotes.

Submissions (2):

GeneDx
Classification: Uncertain significance. Last evaluated: 2026-09-11. Review status: criteria provided, single submitter. Criteria: GeneDx Variant Classification Process June 2021. Collection method: clinical testing. Allele origin: germline.
Comment: Not observed at significant frequency in large population cohorts (gnomAD); In silico analysis supports that this missense variant does not alter protein structure/function; Has not been previously published as pathogenic or benign to our knowledge

Labcorp Genetics (formerly Invitae), Labcorp
Classification: Uncertain significance for Epilepsy, familial focal, with variable foci 3. Last evaluated: 2021-12-02. Review status: criteria provided, single submitter. Criteria: Invitae Variant Classification Sherloc (09022015). Collection method: clinical testing. Allele origin: germline.
Comment: This sequence change replaces methionine, which is neutral and non-polar, with valine, which is neutral and non-polar, at codon 413 of the NPRL3 protein (p.Met413Val). This variant is not present in population databases (gnomAD no frequency). This variant has not been reported in the literature in individuals affected with NPRL3-related conditions. Experimental studies and prediction algorithms are not available or were not evaluated, and the functional significance of this variant is currently unknown. In summary, the available evidence is currently insufficient to determine the role of this variant in disease. Therefore, it has been classified as a Variant of Uncertain Significance.

NM_001077350.3(NPRL3):c.1237A>G (p.Met413Val)

Genes: HBA-LCR (alpha-globin locus control region; plus strand), NPRL3 (NPR3 like, GATOR1 complex subunit; minus strand). Cytogenetic location: 16p13.3.
Variant type: single nucleotide variant.
Coding change: c.1237A>G on transcript NM_001077350.3 (MANE Select); coding-DNA position 1237, A replaced by G.
Protein change: p.Met413Val; replaces methionine 413 with valine.
Molecular consequence: missense variant.
Genome position (GRCh38, 1-based): chr16:89,827, T>C on the plus strand (A>G on the coding strand, the complement: NPRL3 is on the minus strand). VCF-style: chr16-89827-T-C. GRCh37 (hg19) VCF-style: chr16-139825-T-C.
Other names: c.1237A>G (NM_001077350.2); c.700A>G, p.Met234Val (NM_001039476.3); c.1003A>G, p.Met335Val (NM_001243247.2); c.1162A>G, p.Met388Val (NM_001243248.2, NM_001243249.2); short protein forms M335V, M388V, M234V, M413V.
Identifiers: ClinVar variation 1396110 (VCV001396110.8), dbSNP rs749424318, ClinGen allele CA7769407.